The following is an entry in ClinVar:

ClinVar aggregate classification (germline): Uncertain significance (1 of 4 stars; one submission).

gnomAD v4.1: 4 of 1,613,300 alleles (0.00025%); highest among the groups gnomAD compares: Middle Eastern, 0.017%; no homozygotes.

Submission:

Women's Health and Genetics/Laboratory Corporation of America, LabCorp
Classification: Uncertain significance. Last evaluated: 2024-11-11. Review status: criteria provided, single submitter. Criteria: LabCorp Variant Classification Summary - May 2015. Collection method: clinical testing. Allele origin: germline.
Comment: Variant summary: MED13 c.814+7A>G alters a non-conserved nucleotide located close to a canonical splice site and therefore could affect mRNA splicing, leading to a significantly altered protein sequence. Consensus agreement among computation tools predict no significant impact on normal splicing. However, these predictions have yet to be confirmed by functional studies. The variant was absent in 248864 control chromosomes. The available data on variant occurrences in the general population are insufficient to allow any conclusion about variant significance. To our knowledge, no occurrence of c.814+7A>G in individuals affected with Intellectual Developmental Disorder 61 and no experimental evidence demonstrating its impact on protein function have been reported. No submitters have cited clinical-significance assessments for this variant to ClinVar. Based on the evidence outlined above, the variant was classified as uncertain significance.

NM_005121.3(MED13):c.814+7A>G

Gene: MED13 (mediator complex subunit 13; minus strand). Cytogenetic location: 17q23.2.
Variant type: single nucleotide variant.
Coding change: c.814+7A>G on transcript NM_005121.3 (MANE Select); 7 bases into the intron after coding-DNA position 814, A replaced by G.
Molecular consequence: intron variant.
Genome position (GRCh38, 1-based): chr17:62,033,780, T>C on the plus strand (A>G on the coding strand, the complement: MED13 is on the minus strand). VCF-style: chr17-62033780-T-C. GRCh37 (hg19) VCF-style: chr17-60111141-T-C.
Identifiers: ClinVar variation 3629709 (VCV003629709.1).